The following is an entry in ClinVar:

NM_152468.5(TMC8):c.1577G>A (p.Arg526His)

Gene: TMC8 (transmembrane channel like 8; plus strand). Cytogenetic location: 17q25.3.
Variant type: single nucleotide variant.
Coding change: c.1577G>A on transcript NM_152468.5 (MANE Select); coding-DNA position 1577, G replaced by A.
Protein change: p.Arg526His; replaces arginine 526 with histidine.
Molecular consequence: missense variant.
Genome position (GRCh38, 1-based): chr17:78,138,392, G>A. VCF-style: chr17-78138392-G-A. GRCh37 (hg19) VCF-style: chr17-76134473-G-A.
Other names: short protein forms R526H.
Identifiers: ClinVar variation 577485 (VCV000577485.15), dbSNP rs201477740, ClinGen allele CA8796930.

ClinVar aggregate classification (germline): Conflicting classifications of pathogenicity. Review status: criteria provided, conflicting classifications (1 of 4 stars). 3 submissions from 3 submitters: Uncertain significance (1); Likely benign (1). 1 of the submissions does not count toward it. Last evaluated 2026-01-25.

Conditions:
Epidermodysplasia verruciformis. Identifiers: Orphanet 302, MedGen C0014522, MONDO:0009176.
TMC8-related disorder. Also called: TMC8-related condition.
Inborn genetic diseases. Identifiers: MedGen C0950123, MeSH D030342.

Allele frequency attached by ClinVar (database versions not stated): TOPMed 0.00014; ESP Exome Variant Server 0.00015; gnomAD exomes 0.00015 and 0.00034; gnomAD 0.00016; ExAC 0.00029.

Submissions (3):

Labcorp Genetics (formerly Invitae), Labcorp
Classification: Likely benign for Epidermodysplasia verruciformis. Last evaluated: 2026-01-25. Review status: criteria provided, single submitter. Criteria: Invitae Variant Classification Sherloc (09022015). Collection method: clinical testing. Allele origin: germline.

Ambry Genetics
Classification: Uncertain significance for Inborn genetic diseases. Last evaluated: 2022-06-27. Review status: criteria provided, single submitter. Criteria: Ambry Variant Classification Scheme 2023. Collection method: clinical testing. Allele origin: germline.

PreventionGenetics, part of Exact Sciences
Classification: Likely benign for TMC8-related condition. Last evaluated: 2022-05-11. Review status: no assertion criteria provided. Collection method: clinical testing. Allele origin: germline. Not counted in ClinVar's aggregate classification.
Comment: This variant is classified as likely benign based on ACMG/AMP sequence variant interpretation guidelines (Richards et al. 2015 PMID: 25741868, with internal and published modifications).